The following is an entry in ClinVar:

NM_002180.3(IGHMBP2):c.193G>T (p.Val65Phe)

Gene: IGHMBP2 (immunoglobulin mu DNA binding protein 2; plus strand). Cytogenetic location: 11q13.3.
Variant type: single nucleotide variant.
Coding change: c.193G>T on transcript NM_002180.3 (MANE Select); coding-DNA position 193, G replaced by T.
Protein change: p.Val65Phe; replaces valine 65 with phenylalanine.
Molecular consequence: missense variant.
Genome position (GRCh38, 1-based): chr11:68,906,175, G>T. VCF-style: chr11-68906175-G-T. GRCh37 (hg19) VCF-style: chr11-68673643-G-T.
Other names: short protein forms V65F.
Identifiers: ClinVar variation 1513329 (VCV001513329.7), dbSNP rs920864493, ClinGen allele CA223383672.

ClinVar aggregate classification (germline): Uncertain significance. Review status: criteria provided, multiple submitters, no conflicts (2 of 4 stars). 2 submissions from 2 submitters: Uncertain significance (2). Last evaluated 2022-03-08.

Conditions:
Inborn genetic diseases. Identifiers: MedGen C0950123, MeSH D030342.
Autosomal recessive distal spinal muscular atrophy 1. Also called: NEURONOPATHY, DISTAL HEREDITARY MOTOR, HARDING TYPE VI; NEUROPATHY, DISTAL HEREDITARY MOTOR, AUTOSOMAL RECESSIVE 1; HMN VI; Spinal muscular atrophy with respiratory distress 1; NEURONOPATHY, SEVERE INFANTILE AXONAL, WITH RESPIRATORY FAILURE; SEVERE INFANTILE AXONAL NEUROPATHY WITH RESPIRATORY FAILURE. Identifiers: Orphanet 98920, MedGen C1858517, MONDO:0011436, OMIM 604320.
Charcot-Marie-Tooth disease axonal type 2S. Also called: CHARCOT-MARIE-TOOTH NEUROPATHY, TYPE 2S; CHARCOT-MARIE-TOOTH DISEASE, AXONAL, AUTOSOMAL RECESSIVE, TYPE 2S. Identifiers: Orphanet 443073, MedGen C4015349, MONDO:0014511, OMIM 616155.

Allele frequency attached by ClinVar (database versions not stated): gnomAD exomes below 0.00001; TOPMed 0.00002; gnomAD 0.00003.
gnomAD v4.1: 12 of 1,614,058 alleles (0.00074%); highest among the groups gnomAD compares: Admixed American, 0.0033%; no homozygotes.

Submissions (2):

Ambry Genetics
Classification: Uncertain significance for Inborn genetic diseases. Last evaluated: 2022-03-08. Review status: criteria provided, single submitter. Criteria: Ambry Variant Classification Scheme 2023. Collection method: clinical testing. Allele origin: germline.
Comment: The p.V65F variant (also known as c.193G>T), located in coding exon 2 of the IGHMBP2 gene, results from a G to T substitution at nucleotide position 193. The valine at codon 65 is replaced by phenylalanine, an amino acid with highly similar properties. This amino acid position is conserved. In addition, the in silico prediction for this alteration is inconclusive. Since supporting evidence is limited at this time, the clinical significance of this alteration remains unclear.

Labcorp Genetics (formerly Invitae), Labcorp
Classification: Uncertain significance for Autosomal recessive distal spinal muscular atrophy 1; Charcot-Marie-Tooth disease axonal type 2S. Last evaluated: 2021-09-02. Review status: criteria provided, single submitter. Criteria: Invitae Variant Classification Sherloc (09022015). Collection method: clinical testing. Allele origin: germline.
Comment: This sequence change replaces valine with phenylalanine at codon 65 of the IGHMBP2 protein (p.Val65Phe). The valine residue is moderately conserved and there is a small physicochemical difference between valine and phenylalanine. This variant is not present in population databases (ExAC no frequency). This variant has not been reported in the literature in individuals affected with IGHMBP2-related conditions. Advanced modeling of protein sequence and biophysical properties (such as structural, functional, and spatial information, amino acid conservation, physicochemical variation, residue mobility, and thermodynamic stability) performed at Invitae indicates that this missense variant is not expected to disrupt IGHMBP2 protein function. In summary, the available evidence is currently insufficient to determine the role of this variant in disease. Therefore, it has been classified as a Variant of Uncertain Significance.